The following is an entry in ClinVar:

ClinVar aggregate classification (germline): Uncertain significance (1 of 4 stars; one submission).

Allele frequency attached by ClinVar (database versions not stated): TOPMed below 0.00001.
gnomAD v4.1: 12 of 1,607,214 alleles (0.00075%); highest among the groups gnomAD compares: South Asian, 0.0011%; no homozygotes.

Submission:

Labcorp Genetics (formerly Invitae), Labcorp
Classification: Uncertain significance. Last evaluated: 2022-02-10. Review status: criteria provided, single submitter. Criteria: Invitae Variant Classification Sherloc (09022015). Collection method: clinical testing. Allele origin: germline.
Comment: In summary, the available evidence is currently insufficient to determine the role of this variant in disease. Therefore, it has been classified as a Variant of Uncertain Significance. Experimental studies and prediction algorithms are not available or were not evaluated, and the functional significance of this variant is currently unknown. This variant has not been reported in the literature in individuals affected with ADGRA3-related conditions. This variant is not present in population databases (gnomAD no frequency). This sequence change creates a premature translational stop signal (p.Arg442*) in the ADGRA3 gene. It is expected to result in an absent or disrupted protein product. However, the current clinical and genetic evidence is not sufficient to establish whether loss-of-function variants in ADGRA3 cause disease.

NM_145290.4(ADGRA3):c.1324C>T (p.Arg442Ter)

Gene: ADGRA3 (adhesion G protein-coupled receptor A3; minus strand). Cytogenetic location: 4p15.2.
Variant type: single nucleotide variant.
Coding change: c.1324C>T on transcript NM_145290.4 (MANE Select); coding-DNA position 1324, C replaced by T.
Protein change: p.Arg442Ter; replaces arginine 442 with a stop codon.
Molecular consequence: nonsense.
Genome position (GRCh38, 1-based): chr4:22,435,430, G>A on the plus strand (C>T on the coding strand, the complement: ADGRA3 is on the minus strand). VCF-style: chr4-22435430-G-A. GRCh37 (hg19) VCF-style: chr4-22437053-G-A.
Other names: short protein forms R442*.
Identifiers: ClinVar variation 2095984 (VCV002095984.4), dbSNP rs1302310481, ClinGen allele CA356481932.